The following is an entry in ClinVar:

ClinVar aggregate classification (germline): Likely pathogenic. Review status: criteria provided, multiple submitters, no conflicts (2 of 4 stars). 2 submissions from 2 submitters: Likely pathogenic (2). Last evaluated 2022-02-08.

Allele frequency attached by ClinVar (database versions not stated): gnomAD 0.00001; gnomAD exomes 0.00001.
gnomAD v4.1: 10 of 1,613,710 alleles (0.00062%); highest among the groups gnomAD compares: Non-Finnish European, 0.00085%; no homozygotes.

Submissions (2):

Labcorp Genetics (formerly Invitae), Labcorp
Classification: Likely pathogenic. Last evaluated: 2022-02-08. Review status: criteria provided, single submitter. Criteria: Invitae Variant Classification Sherloc (09022015). Collection method: clinical testing. Allele origin: germline.
Comment: This sequence change affects a donor splice site in intron 40 of the HSPG2 gene. It is expected to disrupt RNA splicing. Variants that disrupt the donor or acceptor splice site typically lead to a loss of protein function (PMID: 16199547), and loss-of-function variants in HSPG2 are known to be pathogenic (PMID: 11279527, 16927315, 20542149, 23836246). This variant is present in population databases (no rsID available, gnomAD 0.003%). Disruption of this splice site has been observed in individual(s) with idiopathic scoliosis (PMID: 25504735). ClinVar contains an entry for this variant (Variation ID: 1324552). Algorithms developed to predict the effect of sequence changes on RNA splicing suggest that this variant may disrupt the consensus splice site. In summary, the currently available evidence indicates that the variant is pathogenic, but additional data are needed to prove that conclusively. Therefore, this variant has been classified as Likely Pathogenic.

Revvity Omics, Revvity
Classification: Likely pathogenic. Last evaluated: 2019-04-11. Review status: criteria provided, single submitter. Criteria: ACMG Guidelines, 2015. Collection method: clinical testing. Allele origin: germline.

Literature cited by the submitters: PubMed 16199547 (cited by Labcorp Genetics (formerly Invitae), Labcorp); PubMed 11279527 (cited by Labcorp Genetics (formerly Invitae), Labcorp); PubMed 16927315 (cited by Labcorp Genetics (formerly Invitae), Labcorp); PubMed 20542149 (cited by Labcorp Genetics (formerly Invitae), Labcorp); PubMed 23836246 (cited by Labcorp Genetics (formerly Invitae), Labcorp); PubMed 25504735 (cited by Labcorp Genetics (formerly Invitae), Labcorp).

NM_005529.7(HSPG2):c.5014+1G>A

Gene: HSPG2 (heparan sulfate proteoglycan 2; minus strand). Cytogenetic location: 1p36.12.
Variant type: single nucleotide variant.
Coding change: c.5014+1G>A on transcript NM_005529.7 (MANE Select); the canonical splice donor site of the intron after coding-DNA position 5014, G replaced by A.
Molecular consequence: splice donor variant.
Genome position (GRCh38, 1-based): chr1:21,860,176, C>T on the plus strand (G>A on the coding strand, the complement: HSPG2 is on the minus strand). VCF-style: chr1-21860176-C-T. GRCh37 (hg19) VCF-style: chr1-22186669-C-T.
Other names: c.5017+1G>A (NM_001291860.2).
Identifiers: ClinVar variation 1324552 (VCV001324552.8), dbSNP rs1446227002, ClinGen allele CA338947910.
Genomic context (GRCh38, chr1:21,860,176, plus strand): 5'-CAAATTCCCAGGGCTCCCTGCCTTGCCCATCGTCCCCATCCTGGGCCATGGTCCCACTTA[C>T]TCTCTGGCAGGCACTGGCCCCCTTGCACACTGGGGTTACCCACGTAACCTGGGCCACACC-3'